The following is an entry in ClinVar:

NM_024105.4(ALG12):c.1411A>G (p.Asn471Asp)

Gene: ALG12 (ALG12 alpha-1,6-mannosyltransferase; minus strand). Cytogenetic location: 22q13.33.
Variant type: single nucleotide variant.
Coding change: c.1411A>G on transcript NM_024105.4 (MANE Select); coding-DNA position 1411, A replaced by G.
Protein change: p.Asn471Asp; replaces asparagine 471 with aspartic acid.
Molecular consequence: missense variant.
Genome position (GRCh38, 1-based): chr22:49,903,894, T>C on the plus strand (A>G on the coding strand, the complement: ALG12 is on the minus strand). VCF-style: chr22-49903894-T-C. GRCh37 (hg19) VCF-style: chr22-50297542-T-C.
Other names: short protein forms N471D.
Identifiers: ClinVar variation 1404659 (VCV001404659.5), dbSNP rs2060527901, ClinGen allele CA412071499.

ClinVar aggregate classification (germline): Uncertain significance (1 of 4 stars; one submission).

Conditions:
ALG12-congenital disorder of glycosylation (CDG1G). Also called: CDG Ig; ALG12-CDG; Congenital disorder of glycosylation, type Ig. Identifiers: Orphanet 79324, MedGen C2931001, MONDO:0011783, OMIM 607143.

Allele frequency attached by ClinVar (database versions not stated): gnomAD exomes below 0.00001; TOPMed below 0.00001; gnomAD 0.00001.
gnomAD v4.1: 4 of 1,614,076 alleles (0.00025%); highest among the groups gnomAD compares: Middle Eastern, 0.016%; no homozygotes.

Submission:

Labcorp Genetics (formerly Invitae), Labcorp
Classification: Uncertain significance for ALG12-congenital disorder of glycosylation. Last evaluated: 2022-06-27. Review status: criteria provided, single submitter. Criteria: Invitae Variant Classification Sherloc (09022015). Collection method: clinical testing. Allele origin: germline.
Comment: This sequence change replaces asparagine, which is neutral and polar, with aspartic acid, which is acidic and polar, at codon 471 of the ALG12 protein (p.Asn471Asp). This variant is not present in population databases (gnomAD no frequency). This variant has not been reported in the literature in individuals affected with ALG12-related conditions. Algorithms developed to predict the effect of missense changes on protein structure and function output the following: SIFT: "Tolerated"; PolyPhen-2: "Benign"; Align-GVGD: "Class C0". The aspartic acid amino acid residue is found in multiple mammalian species, which suggests that this missense change does not adversely affect protein function. In summary, the available evidence is currently insufficient to determine the role of this variant in disease. Therefore, it has been classified as a Variant of Uncertain Significance.